The following is an entry in ClinVar:

ClinVar aggregate classification (germline): Uncertain significance. Review status: criteria provided, multiple submitters, no conflicts (2 of 4 stars). 2 submissions from 2 submitters: Uncertain significance (2). Last evaluated 2025-11-01.

Conditions:
Developmental and epileptic encephalopathy, 30 (DEE30). Also called: Epileptic encephalopathy, early infantile, 30. Identifiers: MedGen C4225360, MONDO:0014595, OMIM 616341.

Submissions (2):

CeGaT Center for Human Genetics Tuebingen
Classification: Uncertain significance. Last evaluated: 2025-11-01. Review status: criteria provided, single submitter. Criteria: CeGaT Center For Human Genetics Tuebingen Variant Classification Criteria Version 2. Collection method: clinical testing. Allele origin: germline. Affected: yes. Observed: 1 variant allele.
Comment: SIK1: PM2

Labcorp Genetics (formerly Invitae), Labcorp
Classification: Uncertain significance for Developmental and epileptic encephalopathy, 30. Last evaluated: 2017-12-26. Review status: criteria provided, single submitter. Criteria: Invitae Variant Classification Sherloc (09022015). Collection method: clinical testing. Allele origin: germline.
Comment: This sequence change replaces threonine with asparagine at codon 473 of the SIK1 protein (p.Thr473Asn). The threonine residue is highly conserved and there is a small physicochemical difference between threonine and asparagine. This variant is not present in population databases (ExAC no frequency). This variant has not been reported in the literature in individuals with SIK1-related disease. Algorithms developed to predict the effect of missense changes on protein structure and function do not agree on the potential impact of this missense change (SIFT: "Tolerated"; PolyPhen-2: "Probably Damaging"; Align-GVGD: "Class C0"). In summary, the available evidence is currently insufficient to determine the role of this variant in disease. Therefore, it has been classified as a Variant of Uncertain Significance.

NM_173354.5(SIK1):c.1418C>A (p.Thr473Asn)

Gene: SIK1 (salt inducible kinase 1; minus strand). Cytogenetic location: 21q22.3.
Variant type: single nucleotide variant.
Coding change: c.1418C>A on transcript NM_173354.5 (MANE Select); coding-DNA position 1418, C replaced by A.
Protein change: p.Thr473Asn; replaces threonine 473 with asparagine.
Molecular consequence: missense variant.
Genome position (GRCh38, 1-based): chr21:43,419,065, G>T on the plus strand (C>A on the coding strand, the complement: SIK1 is on the minus strand). VCF-style: chr21-43419065-G-T. GRCh37 (hg19) VCF-style: chr21-44838945-G-T.
Other names: short protein forms T473N.
Identifiers: ClinVar variation 542703 (VCV000542703.15), dbSNP rs1555891084, ClinGen allele CA410608044.